The following is an entry in ClinVar:

ClinVar aggregate classification (germline): Uncertain significance (1 of 4 stars; one submission).

Conditions:
Primary dilated cardiomyopathy (DCM). Also called: Dilated Cardiomyopathy. Identifiers: Orphanet 217604, MedGen C0007193, MeSH D002311, MONDO:0005021, HP:0001644. Inheritance: Various modes of inheritance.

Submission:

Labcorp Genetics (formerly Invitae), Labcorp
Classification: Uncertain significance for Primary dilated cardiomyopathy. Last evaluated: 2025-02-27. Review status: criteria provided, single submitter. Criteria: Invitae Variant Classification Sherloc (09022015). Collection method: clinical testing. Allele origin: germline.
Comment: This sequence change falls in intron 9 of the TXNRD2 gene. It does not directly change the encoded amino acid sequence of the TXNRD2 protein. It affects a nucleotide within the consensus splice site. This variant is not present in population databases (gnomAD no frequency). This variant has not been reported in the literature in individuals affected with TXNRD2-related conditions. Variants that disrupt the consensus splice site are a relatively common cause of aberrant splicing (PMID: 17576681, 9536098). Algorithms developed to predict the effect of sequence changes on RNA splicing suggest that this variant is not likely to affect RNA splicing. In summary, the available evidence is currently insufficient to determine the role of this variant in disease. Therefore, it has been classified as a Variant of Uncertain Significance.

Literature cited by the submitters: PubMed 17576681; PubMed 9536098.

NM_006440.5(TXNRD2):c.682+5C>A

Gene: TXNRD2 (thioredoxin reductase 2; minus strand). Cytogenetic location: 22q11.21.
Variant type: single nucleotide variant.
Coding change: c.682+5C>A on transcript NM_006440.5 (MANE Select); 5 bases into the intron after coding-DNA position 682, C replaced by A.
Molecular consequence: intron variant.
Genome position (GRCh38, 1-based): chr22:19,899,044, G>T on the plus strand (C>A on the coding strand, the complement: TXNRD2 is on the minus strand). VCF-style: chr22-19899044-G-T. GRCh37 (hg19) VCF-style: chr22-19886567-G-T.
Other names: c.679+5C>A (NM_001352300.2); c.394+5C>A (NM_001352302.2); c.592+5C>A (NM_001352301.2); c.682+5C>A (NM_001282512.3); c.586+5C>A (NM_001352303.2).
Identifiers: ClinVar variation 4811913 (VCV004811913.1).